The following is an entry in ClinVar:

NM_001378328.1(CELSR1):c.4518delinsCGCAGGTGGGGCCTTCTCC (p.Gly1508_Glu1509insGlyAlaPheSerAlaGly)

Gene: CELSR1 (cadherin EGF LAG seven-pass G-type receptor 1; minus strand). Cytogenetic location: 22q13.31.
Variant type: Indel.
Coding change: c.4518delinsCGCAGGTGGGGCCTTCTCC on transcript NM_001378328.1 (MANE Select); coding-DNA position 4518, T replaced by CGCAGGTGGGGCCTTCTCC.
Protein change: p.Gly1508_Glu1509insGlyAlaPheSerAlaGly.
Molecular consequence: inframe insertion.
Genome position (GRCh38, 1-based): chr22:46,436,178, A replaced by GGAGAAGGCCCCACCTGCG on the plus strand (T replaced by CGCAGGTGGGGCCTTCTCC on the coding strand, the reverse complement: CELSR1 is on the minus strand). VCF-style: chr22-46436178-A-GGAGAAGGCCCCACCTGCG. GRCh37 (hg19) VCF-style: chr22-46832075-A-GGAGAAGGCCCCACCTGCG.
Other names: c.4518delinsCGCAGGTGGGGCCTTCTCC, p.Gly1508_Glu1509insGlyAlaPheSerAlaGly (NM_014246.4).
Identifiers: ClinVar variation 4988367 (VCV004988367.1).

ClinVar aggregate classification (germline): Likely benign (1 of 4 stars; one submission).

Conditions:
CELSR1-related disorder. Also called: CELSR1-related condition.

Submission:

PreventionGenetics, part of Exact Sciences
Classification: Likely benign for CELSR1-related condition. Last evaluated: 2024-12-05. Review status: criteria provided, single submitter. Criteria: ACMG Guidelines, 2015. Collection method: clinical testing. Allele origin: germline.
Comment: This variant is classified as likely benign based on ACMG/AMP sequence variant interpretation guidelines (Richards et al. 2015 PMID: 25741868, with internal and published modifications).